The following is an entry in ClinVar:

ClinVar aggregate classification (germline): Uncertain significance (1 of 4 stars; one submission).

Conditions:
Renal cell carcinoma. Identifiers: Orphanet 217071, MedGen C0007134, MeSH D002292, MONDO:0005086, HP:0005584.

Submission:

Labcorp Genetics (formerly Invitae), Labcorp
Classification: Uncertain significance for Renal cell carcinoma. Last evaluated: 2025-11-11. Review status: criteria provided, single submitter. Criteria: Invitae Variant Classification Sherloc (09022015). Collection method: clinical testing. Allele origin: germline.
Comment: This sequence change replaces glutamic acid, which is acidic and polar, with lysine, which is basic and polar, at codon 254 of the MET protein (p.Glu254Lys). This variant is not present in population databases (gnomAD no frequency). This variant has not been reported in the literature in individuals affected with MET-related conditions. Invitae Evidence Modeling of protein sequence and biophysical properties (such as structural, functional, and spatial information, amino acid conservation, physicochemical variation, residue mobility, and thermodynamic stability) indicates that this missense variant is not expected to disrupt MET protein function with a negative predictive value of 80%. In summary, the available evidence is currently insufficient to determine the role of this variant in disease. Therefore, it has been classified as a Variant of Uncertain Significance.

NM_000245.4(MET):c.760G>A (p.Glu254Lys)

Gene: MET (MET proto-oncogene, receptor tyrosine kinase; plus strand). Cytogenetic location: 7q31.2.
Variant type: single nucleotide variant.
Coding change: c.760G>A on transcript NM_000245.4 (MANE Select); coding-DNA position 760, G replaced by A.
Protein change: p.Glu254Lys; replaces glutamic acid 254 with lysine.
Molecular consequence: missense variant. On other transcripts: intron variant (1).
Genome position (GRCh38, 1-based): chr7:116,699,844, G>A. VCF-style: chr7-116699844-G-A. GRCh37 (hg19) VCF-style: chr7-116339898-G-A.
Other names: c.760G>A, p.Glu254Lys (NM_001127500.3, NM_001324401.3); c.-91+27267G>A (NM_001324402.2); short protein forms E254K.
Identifiers: ClinVar variation 4746031 (VCV004746031.1).